The following is an entry in ClinVar:

NM_000052.7(ATP7A):c.2845T>G (p.Ser949Ala)

Gene: ATP7A (ATPase copper transporting alpha; plus strand). Cytogenetic location: Xq21.1.
Variant type: single nucleotide variant.
Coding change: c.2845T>G on transcript NM_000052.7 (MANE Select); coding-DNA position 2845, T replaced by G.
Protein change: p.Ser949Ala; replaces serine 949 with alanine.
Molecular consequence: missense variant.
Genome position (GRCh38, 1-based): chrX:78,021,008, T>G. VCF-style: chrX-78021008-T-G. GRCh37 (hg19) VCF-style: chrX-77276505-T-G.
Other names: c.2611T>G, p.Ser871Ala (NM_001282224.2); short protein forms S871A, S949A.
Identifiers: ClinVar variation 4882232 (VCV004882232.2).

ClinVar aggregate classification (germline): Uncertain significance (1 of 4 stars; one submission).

Submission:

Dasa
Classification: Uncertain significance. Last evaluated: 2024-12-10. Review status: criteria provided, single submitter. Criteria: DASA Assertion Criteria. Collection method: clinical testing. Allele origin: germline.
Comment: NM_000052.7(ATP7A):c.2845T>G (p.Ser949Ala) is a missense variant that results in the substitution of serine with alanine. This variant is absent from population databases. The currently available literature and clinical evidence are not sufficient to establish a definitive association between this variant and the reported condition. Therefore, this variant is classified as a variant of uncertain significance.